The following is an entry in ClinVar:

ClinVar aggregate classification (germline): Pathogenic (1 of 4 stars; one submission).

Conditions:
GM3 synthase deficiency (SPDRS). Also called: SALT AND PEPPER DEVELOPMENTAL REGRESSION SYNDROME; SALT AND PEPPER MENTAL RETARDATION SYNDROME; AMISH INFANTILE EPILEPSY SYNDROME. Identifiers: Orphanet 171714, Orphanet 370933, MedGen C1836824, MONDO:0018274, OMIM 609056.

Submission:

Labcorp Genetics (formerly Invitae), Labcorp
Classification: Pathogenic for GM3 synthase deficiency. Last evaluated: 2019-12-03. Review status: criteria provided, single submitter. Criteria: Invitae Variant Classification Sherloc (09022015). Collection method: clinical testing. Allele origin: germline.
Comment: For these reasons, this variant has been classified as Pathogenic. Loss-of-function variants in ST3GAL5 are known to be pathogenic (PMID: 15502825, 22990144, 27232954). Algorithms developed to predict the effect of sequence changes on RNA splicing suggest that this variant may disrupt the consensus splice site, but this prediction has not been confirmed by published transcriptional studies. This variant has not been reported in the literature in individuals with ST3GAL5-related conditions. This variant is not present in population databases (ExAC no frequency). This sequence change creates a premature translational stop signal (p.?) in the ST3GAL5 gene. It is expected to result in an absent or disrupted protein product.

Literature cited by the submitters: PubMed 15502825; PubMed 22990144; PubMed 27232954.

NM_003896.4(ST3GAL5):c.318+1del

Gene: ST3GAL5 (ST3 beta-galactoside alpha-2,3-sialyltransferase 5; minus strand). Cytogenetic location: 2p11.2.
Variant type: Deletion.
Coding change: c.318+1del on transcript NM_003896.4 (MANE Select); the canonical splice donor site of the intron after coding-DNA position 318, one base deleted (G; older notation c.318+1delG).
Molecular consequence: splice donor variant.
Genome position (GRCh38, 1-based): chr2:85,861,180, C deleted on the plus strand (G on the coding strand, the reverse complement: ST3GAL5 is on the minus strand); the first of 2 consecutive C bases (chr2:85,861,180-85,861,181); deleting either gives the same sequence. VCF-style (leftmost placement, unchanged base first): chr2-85861179-AC-A. GRCh37 (hg19) VCF-style: chr2-86088302-AC-A.
Other names: c.-244+1del (NM_001354226.2, NM_001354223.2); c.-684+1del (NM_001354233.2); c.-307+1del (NM_001354224.2); c.234+1del (NM_001354227.2, NM_001354229.2, NM_001354238.1); c.249+1del (NM_001042437.2); c.318+1del (NM_001363847.1); c.-648+1del (NM_001354234.1).
Identifiers: ClinVar variation 969192 (VCV000969192.8), dbSNP rs1684687070, ClinGen allele CA1139657141.
Genomic context (GRCh38, chr2:85,861,179, plus strand): 5'-TTATAGTTTGAGCATATGCTTGGCAATGTTTTCATTTAAACCACACCAATGGGATATCTA[AC>A]CTTTACATGGTCAGGGTCCACATAATGCATTTTTTTCATGTCACATTCTTCAGTAGTATA-3'